The following is an entry in ClinVar:

ClinVar aggregate classification (germline): Likely pathogenic. Review status: criteria provided, multiple submitters, no conflicts (2 of 4 stars). 2 submissions from 2 submitters: Likely pathogenic (2). Last evaluated 2025-04-28.

Conditions:
ARMC9-related disorder. Also called: ARMC9-related condition.

Allele frequency attached by ClinVar (database versions not stated): gnomAD exomes below 0.00001; ExAC 0.00001; gnomAD 0.00002; TOPMed 0.00002.
gnomAD v4.1: 8 of 1,613,724 alleles (0.0005%); highest among the groups gnomAD compares: Middle Eastern, 0.016%; no homozygotes.

Submissions (2):

Labcorp Genetics (formerly Invitae), Labcorp
Classification: Likely pathogenic. Last evaluated: 2025-04-28. Review status: criteria provided, single submitter. Criteria: Invitae Variant Classification Sherloc (09022015). Collection method: clinical testing. Allele origin: germline.
Comment: This sequence change affects an acceptor splice site in intron 2 of the ARMC9 gene. It is expected to disrupt RNA splicing. Variants that disrupt the donor or acceptor splice site typically lead to a loss of protein function (PMID: 16199547), and loss-of-function variants in ARMC9 are known to be pathogenic (PMID: 28625504). This variant is present in population databases (rs781417301, gnomAD 0.0009%). This variant has not been reported in the literature in individuals affected with ARMC9-related conditions. ClinVar contains an entry for this variant (Variation ID: 960775). Algorithms developed to predict the effect of sequence changes on RNA splicing suggest that this variant may disrupt the consensus splice site. In summary, the currently available evidence indicates that the variant is pathogenic, but additional data are needed to prove that conclusively. Therefore, this variant has been classified as Likely Pathogenic.

Blueprint Genetics
Classification: Likely pathogenic for ARMC9-related disorders. Last evaluated: 2021-10-21. Review status: criteria provided, single submitter. Criteria: ACMG Guidelines, 2015. Collection method: clinical testing. Allele origin: germline. Affected: yes. Observed: 3 variant alleles.

Literature cited by the submitters: PubMed 16199547 (cited by Labcorp Genetics (formerly Invitae), Labcorp); PubMed 28625504 (cited by Labcorp Genetics (formerly Invitae), Labcorp).

NM_001352754.2(ARMC9):c.178-1G>A

Gene: ARMC9 (armadillo repeat containing 9; plus strand). Cytogenetic location: 2q37.1.
Variant type: single nucleotide variant.
Coding change: c.178-1G>A on transcript NM_001352754.2 (MANE Select); the canonical splice acceptor site of the intron before coding-DNA position 178, G replaced by A.
Molecular consequence: splice acceptor variant.
Genome position (GRCh38, 1-based): chr2:231,214,830, G>A. VCF-style: chr2-231214830-G-A. GRCh37 (hg19) VCF-style: chr2-232079543-G-A.
Other names: c.178-1G>A (NM_001271466.4, NM_001352755.2, NM_001352756.2 and 5 more transcripts).
Identifiers: ClinVar variation 960775 (VCV000960775.9), dbSNP rs781417301, ClinGen allele CA2159868.